The following is an entry in ClinVar:

ClinVar aggregate classification (germline): Uncertain significance. Review status: criteria provided, multiple submitters, no conflicts (2 of 4 stars). 2 submissions from 2 submitters: Uncertain significance (2). Last evaluated 2025-11-05.

Allele frequency attached by ClinVar (database versions not stated): ExAC 0.00002; TOPMed 0.00003; gnomAD 0.00005; ESP Exome Variant Server 0.00008.
gnomAD v4.1: 79 of 1,614,058 alleles (0.0049%); highest among the groups gnomAD compares: Non-Finnish European, 0.0064%; no homozygotes.

Submissions (2):

Labcorp Genetics (formerly Invitae), Labcorp
Classification: Uncertain significance. Last evaluated: 2025-11-05. Review status: criteria provided, single submitter. Criteria: Invitae Variant Classification Sherloc (09022015). Collection method: clinical testing. Allele origin: germline.
Comment: This sequence change replaces glutamine, which is neutral and polar, with glutamic acid, which is acidic and polar, at codon 143 of the MYLK3 protein (p.Gln143Glu). This variant is present in population databases (rs139998755, gnomAD 0.005%). This variant has not been reported in the literature in individuals affected with MYLK3-related conditions. ClinVar contains an entry for this variant (Variation ID: 2148205). An algorithm developed to predict the effect of missense changes on protein structure and function (PolyPhen-2) suggests that this variant is likely to be tolerated. In summary, the available evidence is currently insufficient to determine the role of this variant in disease. Therefore, it has been classified as a Variant of Uncertain Significance.

Ambry Genetics
Classification: Uncertain significance. Last evaluated: 2025-05-05. Review status: criteria provided, single submitter. Criteria: Ambry Variant Classification Scheme 2023. Collection method: clinical testing. Allele origin: germline.

NM_182493.3(MYLK3):c.427C>G (p.Gln143Glu)

Gene: MYLK3 (myosin light chain kinase 3; minus strand). Cytogenetic location: 16q11.2.
Variant type: single nucleotide variant.
Coding change: c.427C>G on transcript NM_182493.3 (MANE Select); coding-DNA position 427, C replaced by G.
Protein change: p.Gln143Glu; replaces glutamine 143 with glutamic acid.
Molecular consequence: missense variant. On other transcripts: intron variant (1).
Genome position (GRCh38, 1-based): chr16:46,747,767, G>C on the plus strand (C>G on the coding strand, the complement: MYLK3 is on the minus strand). VCF-style: chr16-46747767-G-C. GRCh37 (hg19) VCF-style: chr16-46781679-G-C.
Other names: c.-113-7620C>G (NM_001308301.1); c.427C>G (NM_182493.2); short protein forms Q143E.
Identifiers: ClinVar variation 2148205 (VCV002148205.5), dbSNP rs139998755, ClinGen allele CA8038260.
Genomic context (GRCh38, chr16:46,747,767, plus strand): 5'-AGGAACCAACCTCCTCAGGGCTGTCACCTGGGCTGCCTCTCCTCCAGGGCACACGCCCCT[G>C]CATGAGGAAATCCGCCACCTTTGATTTCTGGAACGTGGCCCCCACCAAAGCGATGGCCCT-3'
Protein context (NP_872299.2, residues 133-153): QKSKVADFLM[Gln143Glu]GRVPWRRGSP